The following is an entry in ClinVar:

ClinVar aggregate classification (germline): Conflicting classifications of pathogenicity. Review status: criteria provided, conflicting classifications (1 of 4 stars). 3 submissions from 3 submitters: Uncertain significance (2); Likely benign (1). Last evaluated 2025-06-26.

Conditions:
Epilepsy, childhood absence, susceptibility to, 6. Identifiers: Orphanet 64280, MedGen C2749872, MONDO:0012763, OMIM 611942.
Hyperaldosteronism, familial, type IV (HALD4). Also called: FH IV; ALDOSTERONISM, PRIMARY, AND HYPERTENSION. Identifiers: Orphanet 642671, MedGen C4310756, MONDO:0014875, OMIM 617027.
Idiopathic generalized epilepsy. Also called: EIG; Generalised epilepsy. Identifiers: MedGen C0270850, MONDO:0005579, OMIM 600669.

Allele frequency attached by ClinVar (database versions not stated): gnomAD 0.00001; gnomAD exomes 0.00002; TOPMed 0.00002; ExAC 0.00003.
gnomAD v4.1: 10 of 1,506,398 alleles (0.00066%); highest among the groups gnomAD compares: Non-Finnish European, 0.0008%; no homozygotes.

Submissions (3):

GeneDx
Classification: Uncertain significance. Last evaluated: 2025-06-26. Review status: criteria provided, single submitter. Criteria: GeneDx Variant Classification Process June 2021. Collection method: clinical testing. Allele origin: germline. Affected: yes.
Comment: In silico analysis supports that this missense variant has a deleterious effect on protein structure/function; Has not been previously published as pathogenic or benign to our knowledge

Labcorp Genetics (formerly Invitae), Labcorp
Classification: Likely benign for Idiopathic generalized epilepsy; Hyperaldosteronism, familial, type IV. Last evaluated: 2025-06-12. Review status: criteria provided, single submitter. Criteria: Invitae Variant Classification Sherloc (09022015). Collection method: clinical testing. Allele origin: germline.

Fulgent Genetics
Classification: Uncertain significance for Epilepsy, childhood absence, susceptibility to, 6; Hyperaldosteronism, familial, type IV. Last evaluated: 2021-08-13. Review status: criteria provided, single submitter. Criteria: ACMG Guidelines, 2015. Collection method: clinical testing. Allele origin: unknown.

NM_021098.3(CACNA1H):c.6208C>T (p.Arg2070Cys)

Gene: CACNA1H (calcium voltage-gated channel subunit alpha1 H; plus strand). Cytogenetic location: 16p13.3.
Variant type: single nucleotide variant.
Coding change: c.6208C>T on transcript NM_021098.3 (MANE Select); coding-DNA position 6208, C replaced by T.
Protein change: p.Arg2070Cys; replaces arginine 2070 with cysteine.
Molecular consequence: missense variant.
Genome position (GRCh38, 1-based): chr16:1,220,140, C>T. VCF-style: chr16-1220140-C-T. GRCh37 (hg19) VCF-style: chr16-1270140-C-T.
Other names: c.6190C>T, p.Arg2064Cys (NM_001005407.2); short protein forms R2070C, R2064C.
Identifiers: ClinVar variation 529600 (VCV000529600.12), dbSNP rs758461760, ClinGen allele CA7802268.